The following is an entry in ClinVar:

ClinVar aggregate classification (germline): Uncertain significance (1 of 4 stars; one submission).

Submission:

GeneDx
Classification: Uncertain significance. Last evaluated: 2026-01-30. Review status: criteria provided, single submitter. Criteria: GeneDx Variant Classification Process June 2021. Collection method: clinical testing. Allele origin: germline.
Comment: Not observed at significant frequency in large population cohorts (gnomAD); In silico analysis suggests that this missense variant does not alter protein structure/function; Has not been previously published as pathogenic or benign to our knowledge

NM_018489.3(ASH1L):c.1997C>T (p.Thr666Ile)

Gene: ASH1L (ASH1 like histone lysine methyltransferase; minus strand). Cytogenetic location: 1q22.
Variant type: single nucleotide variant.
Coding change: c.1997C>T on transcript NM_018489.3 (MANE Select); coding-DNA position 1997, C replaced by T.
Protein change: p.Thr666Ile; replaces threonine 666 with isoleucine.
Molecular consequence: missense variant.
Genome position (GRCh38, 1-based): chr1:155,480,873, G>A on the plus strand (C>T on the coding strand, the complement: ASH1L is on the minus strand). VCF-style: chr1-155480873-G-A. GRCh37 (hg19) VCF-style: chr1-155450664-G-A.
Other names: c.1997C>T, p.Thr666Ile (NM_001366177.2); short protein forms T666I.
Identifiers: ClinVar variation 4975730 (VCV004975730.1).